The following is an entry in ClinVar:

NM_182914.3(SYNE2):c.5222A>G (p.His1741Arg)

Gene: SYNE2 (spectrin repeat containing nuclear envelope protein 2; plus strand). Cytogenetic location: 14q23.2.
Variant type: single nucleotide variant.
Coding change: c.5222A>G on transcript NM_182914.3 (MANE Select); coding-DNA position 5222, A replaced by G.
Protein change: p.His1741Arg; replaces histidine 1741 with arginine.
Molecular consequence: missense variant.
Genome position (GRCh38, 1-based): chr14:64,021,385, A>G. VCF-style: chr14-64021385-A-G. GRCh37 (hg19) VCF-style: chr14-64488103-A-G.
Other names: c.5222A>G, p.His1741Arg (NM_015180.6); short protein forms H1741R.
Identifiers: ClinVar variation 969266 (VCV000969266.10), dbSNP rs1221262801, ClinGen allele CA389940728.

ClinVar aggregate classification (germline): Uncertain significance. Review status: criteria provided, multiple submitters, no conflicts (2 of 4 stars). 3 submissions from 3 submitters: Uncertain significance (3). Last evaluated 2025-05-07.

Conditions:
Emery-Dreifuss muscular dystrophy 5, autosomal dominant (EDMD5). Also called: EMERY-DREIFUSS MUSCULAR DYSTROPHY 5. Identifiers: Orphanet 261, MedGen C2751805, MONDO:0013072, OMIM 612999.

Allele frequency attached by ClinVar (database versions not stated): gnomAD exomes below 0.00001; TOPMed below 0.00001.

Submissions (3):

Ambry Genetics
Classification: Uncertain significance. Last evaluated: 2025-05-07. Review status: criteria provided, single submitter. Criteria: Ambry Variant Classification Scheme 2023. Collection method: clinical testing. Allele origin: germline.

Labcorp Genetics (formerly Invitae), Labcorp
Classification: Uncertain significance for Emery-Dreifuss muscular dystrophy 5, autosomal dominant. Last evaluated: 2024-04-25. Review status: criteria provided, single submitter. Criteria: Invitae Variant Classification Sherloc (09022015). Collection method: clinical testing. Allele origin: germline.
Comment: This sequence change replaces histidine, which is basic and polar, with arginine, which is basic and polar, at codon 1741 of the SYNE2 protein (p.His1741Arg). This variant is present in population databases (no rsID available, gnomAD 0.006%). This variant has not been reported in the literature in individuals affected with SYNE2-related conditions. ClinVar contains an entry for this variant (Variation ID: 969266). Algorithms developed to predict the effect of missense changes on protein structure and function output the following: SIFT: "Not Available"; PolyPhen-2: "Benign"; Align-GVGD: "Not Available". The arginine amino acid residue is found in multiple mammalian species, which suggests that this missense change does not adversely affect protein function. In summary, the available evidence is currently insufficient to determine the role of this variant in disease. Therefore, it has been classified as a Variant of Uncertain Significance.

Department of Pathology and Laboratory Medicine, Sinai Health System
Classification: Uncertain significance for Emery-Dreifuss muscular dystrophy 5, autosomal dominant. Last evaluated: 2023-10-30. Review status: criteria provided, single submitter. Criteria: ACMG Guidelines, 2015. Collection method: research. Allele origin: germline.